The following is an entry in ClinVar:

ClinVar aggregate classification (germline): Uncertain significance. Review status: criteria provided, multiple submitters, no conflicts (2 of 4 stars). 2 submissions from 2 submitters: Uncertain significance (2). Last evaluated 2025-12-19.

Conditions:
Cystinuria (CSNU). Also called: CYSTINURIA, TYPE I; CYSTINURIA, TYPE II; CYSTINURIA, TYPE III; Cystinuria, non-type I. Identifiers: Orphanet 214, MedGen C0010691, MONDO:0009067, OMIM 220100, HP:0003131.

Allele frequency attached by ClinVar (database versions not stated): ESP Exome Variant Server 0.00008; TOPMed 0.00010; gnomAD 0.00011 and 0.00013; gnomAD exomes 0.00012 and 0.00022; 1000 Genomes Project 30x 0.00016; ExAC 0.00019; 1000 Genomes Project 0.00020.
gnomAD v4.1: 195 of 1,614,160 alleles (0.012%); highest among the groups gnomAD compares: South Asian, 0.13%; 2 homozygotes.

Submissions (2):

Labcorp Genetics (formerly Invitae), Labcorp
Classification: Uncertain significance. Last evaluated: 2025-12-19. Review status: criteria provided, single submitter. Criteria: Invitae Variant Classification Sherloc (09022015). Collection method: clinical testing. Allele origin: germline.
Comment: This sequence change replaces threonine, which is neutral and polar, with methionine, which is neutral and non-polar, at codon 59 of the SLC7A9 protein (p.Thr59Met). This variant is present in population databases (rs146154087, gnomAD 0.1%). This missense change has been observed in individual(s) with cystinuria (internal data). ClinVar contains an entry for this variant (Variation ID: 1488770). Invitae Evidence Modeling of protein sequence and biophysical properties (such as structural, functional, and spatial information, amino acid conservation, physicochemical variation, residue mobility, and thermodynamic stability) indicates that this missense variant is not expected to disrupt SLC7A9 protein function with a negative predictive value of 80%. In summary, the available evidence is currently insufficient to determine the role of this variant in disease. Therefore, it has been classified as a Variant of Uncertain Significance.

Fulgent Genetics
Classification: Uncertain significance for Cystinuria. Last evaluated: 2024-01-06. Review status: criteria provided, single submitter. Criteria: ACMG Guidelines, 2015. Collection method: clinical testing. Allele origin: germline.

NM_014270.5(SLC7A9):c.176C>T (p.Thr59Met)

Gene: SLC7A9 (solute carrier family 7 member 9; minus strand). Cytogenetic location: 19q13.11.
Variant type: single nucleotide variant.
Coding change: c.176C>T on transcript NM_014270.5 (MANE Select); coding-DNA position 176, C replaced by T.
Protein change: p.Thr59Met; replaces threonine 59 with methionine.
Molecular consequence: missense variant.
Genome position (GRCh38, 1-based): chr19:32,864,688, G>A on the plus strand (C>T on the coding strand, the complement: SLC7A9 is on the minus strand). VCF-style: chr19-32864688-G-A. GRCh37 (hg19) VCF-style: chr19-33355594-G-A.
Other names: c.176C>T, p.Thr59Met (NM_001126335.2, NM_001243036.2); short protein forms T59M.
Identifiers: ClinVar variation 1488770 (VCV001488770.10), dbSNP rs146154087, ClinGen allele CA9358929.
Genomic context (GRCh38, chr19:32,864,688, plus strand): 5'-CCCAGCGTCGCGAGGACCCCGCAAGCCGCCCATATGATGAGGCAGGGCCCCACAGCTTCC[G>A]TGTTGCTGAGCACAGACTTGGGGGAAACGAAGATCCCAGAGCCAATGATGGTGCCCACGA-3'
Protein context (NP_055085.1, residues 49-69): FVSPKSVLSN[Thr59Met]EAVGPCLIIW